The following is an entry in ClinVar:

ClinVar aggregate classification (germline): Benign/Likely benign. Review status: criteria provided, multiple submitters, no conflicts (2 of 4 stars). 4 submissions from 4 submitters: Benign (1); Likely benign (3). Last evaluated 2026-01-06.

Conditions:
Kabuki syndrome. Also called: NIIKAWA-KUROKI SYNDROME; Kabuki make-up syndrome. Identifiers: Orphanet 2322, MedGen C0796004, MONDO:0016512.

Allele frequency attached by ClinVar (database versions not stated): gnomAD 0.00016; ESP Exome Variant Server 0.00017; TOPMed 0.00025.
gnomAD v4.1: 480 of 1,613,188 alleles (0.03%); highest among the groups gnomAD compares: Non-Finnish European, 0.038%; no homozygotes.

Submissions (4):

Labcorp Genetics (formerly Invitae), Labcorp
Classification: Likely benign for Kabuki syndrome. Last evaluated: 2026-01-06. Review status: criteria provided, single submitter. Criteria: Invitae Variant Classification Sherloc (09022015). Collection method: clinical testing. Allele origin: germline.

CeGaT Center for Human Genetics Tuebingen
Classification: Likely benign. Last evaluated: 2024-12-01. Review status: criteria provided, single submitter. Criteria: CeGaT Center For Human Genetics Tuebingen Variant Classification Criteria Version 2. Collection method: clinical testing. Allele origin: germline. Affected: yes. Observed: 1 variant allele.
Comment: KMT2D: BP4, BP7

Blueprint Genetics
Classification: Likely benign. Last evaluated: 2024-10-31. Review status: criteria provided, single submitter. Criteria: ACMG Guidelines, 2015. Collection method: clinical testing. Allele origin: germline.

GeneDx
Classification: Benign. Last evaluated: 2021-01-19. Review status: criteria provided, single submitter. Criteria: GeneDx Variant Classification Process June 2021. Collection method: clinical testing. Allele origin: germline. Affected: yes.

NM_003482.4(KMT2D):c.2220G>T (p.Gly740=)

Gene: KMT2D (lysine methyltransferase 2D; minus strand). Cytogenetic location: 12q13.12.
Variant type: single nucleotide variant.
Coding change: c.2220G>T on transcript NM_003482.4 (MANE Select); coding-DNA position 2220, G replaced by T.
Protein change: p.Gly740=; no amino-acid change (glycine 740 retained).
Molecular consequence: synonymous variant.
Genome position (GRCh38, 1-based): chr12:49,051,463, C>A on the plus strand (G>T on the coding strand, the complement: KMT2D is on the minus strand). VCF-style: chr12-49051463-C-A. GRCh37 (hg19) VCF-style: chr12-49445246-C-A.
Identifiers: ClinVar variation 1296717 (VCV001296717.23), dbSNP rs368986210, ClinGen allele CA6548313.